The following is an entry in ClinVar:

NM_004655.4(AXIN2):c.580G>T (p.Asp194Tyr)

Gene: AXIN2 (axin 2; minus strand). Cytogenetic location: 17q24.1.
Variant type: single nucleotide variant.
Coding change: c.580G>T on transcript NM_004655.4 (MANE Select); coding-DNA position 580, G replaced by T.
Protein change: p.Asp194Tyr; replaces aspartic acid 194 with tyrosine.
Molecular consequence: missense variant.
Genome position (GRCh38, 1-based): chr17:65,558,041, C>A on the plus strand (G>T on the coding strand, the complement: AXIN2 is on the minus strand). VCF-style: chr17-65558041-C-A. GRCh37 (hg19) VCF-style: chr17-63554159-C-A.
Other names: c.580G>T, p.Asp194Tyr (NM_001363813.1); short protein forms D194Y.
Identifiers: ClinVar variation 3724195 (VCV003724195.2).

ClinVar aggregate classification (germline): Uncertain significance (1 of 4 stars; one submission).

Conditions:
Oligodontia-cancer predisposition syndrome. Also called: TOOTH AGENESIS-COLORECTAL CANCER SYNDROME. Identifiers: Orphanet 300576, MedGen C1837750, MONDO:0012075, OMIM 608615. Disease mechanism: loss of function.

Submission:

Labcorp Genetics (formerly Invitae), Labcorp
Classification: Uncertain significance for Oligodontia-cancer predisposition syndrome. Last evaluated: 2024-10-02. Review status: criteria provided, single submitter. Criteria: Invitae Variant Classification Sherloc (09022015). Collection method: clinical testing. Allele origin: germline.
Comment: This sequence change replaces aspartic acid, which is acidic and polar, with tyrosine, which is neutral and polar, at codon 194 of the AXIN2 protein (p.Asp194Tyr). This variant is not present in population databases (gnomAD no frequency). This variant has not been reported in the literature in individuals affected with AXIN2-related conditions. Invitae Evidence Modeling of protein sequence and biophysical properties (such as structural, functional, and spatial information, amino acid conservation, physicochemical variation, residue mobility, and thermodynamic stability) indicates that this missense variant is expected to disrupt AXIN2 protein function with a positive predictive value of 80%. In summary, the available evidence is currently insufficient to determine the role of this variant in disease. Therefore, it has been classified as a Variant of Uncertain Significance.